The following is an entry in ClinVar:

NM_014363.6(SACS):c.12839_12843del (p.Phe4280fs)

Gene: SACS (sacsin molecular chaperone; minus strand). Cytogenetic location: 13q12.12.
Variant type: Deletion.
Coding change: c.12839_12843del on transcript NM_014363.6 (MANE Select); coding-DNA positions 12839 to 12843, 5 bases deleted (TCTCT; older notation c.12839_12843delTCTCT).
Protein change: p.Phe4280fs; shifts the reading frame from phenylalanine 4280.
Molecular consequence: frameshift variant.
Genome position (GRCh38, 1-based): chr13:23,331,033-23,331,037, AGAGA deleted on the plus strand (TCTCT on the coding strand, the reverse complement: SACS is on the minus strand); deleting any 5 consecutive bases within chr13:23,331,033-23,331,038 gives the same sequence; the c. name uses the placement nearest the transcript's 3' end. VCF-style (leftmost placement, unchanged base first): chr13-23331032-CAGAGA-C. GRCh37 (hg19) VCF-style: chr13-23905171-CAGAGA-C.
Other names: c.12398_12402del, p.Phe4133fs (NM_001278055.2); short protein forms F4133fs, F4280fs.
Identifiers: ClinVar variation 2853564 (VCV002853564.3), dbSNP rs761200300, ClinGen allele CA6910067.
Genomic context (GRCh38, chr13:23,331,032, plus strand): 5'-AATTAACCTTAAGCTTTTTGGGGGACTGATGTTTGGAAGAAGTCTTGTGGCTCTCTCTAC[CAGAGA>C]AAAGAGGAGGAATGCTTCTCAGGCCAGGGGTGAGGAACTCAGTGGGGCTGGTTGGTGTAG-3'

ClinVar aggregate classification (germline): Pathogenic (1 of 4 stars; one submission).

Conditions:
Spastic paraplegia. Identifiers: MedGen C0037772, HP:0001258.

Submission:

Labcorp Genetics (formerly Invitae), Labcorp
Classification: Pathogenic for Spastic paraplegia. Last evaluated: 2023-04-08. Review status: criteria provided, single submitter. Criteria: Invitae Variant Classification Sherloc (09022015). Collection method: clinical testing. Allele origin: germline.
Comment: For these reasons, this variant has been classified as Pathogenic. This variant disrupts a region of the SACS protein in which other variant(s) (p.Asn4549Asp) have been determined to be pathogenic (PMID: 15156359, 21507954). This suggests that this is a clinically significant region of the protein, and that variants that disrupt it are likely to be disease-causing. This variant has not been reported in the literature in individuals affected with SACS-related conditions. This variant is present in population databases (rs761200300, gnomAD 0.006%). This sequence change creates a premature translational stop signal (p.Phe4280Trpfs*2) in the SACS gene. While this is not anticipated to result in nonsense mediated decay, it is expected to disrupt the last 300 amino acid(s) of the SACS protein.

Literature cited by the submitters: PubMed 15156359; PubMed 21507954.